The following is an entry in ClinVar:

NM_005204.4(MAP3K8):c.227T>C (p.Val76Ala)

Gene: MAP3K8 (mitogen-activated protein kinase kinase kinase 8; plus strand). Cytogenetic location: 10p11.23.
Variant type: single nucleotide variant.
Coding change: c.227T>C on transcript NM_005204.4 (MANE Select); coding-DNA position 227, T replaced by C.
Protein change: p.Val76Ala; replaces valine 76 with alanine.
Molecular consequence: missense variant.
Genome position (GRCh38, 1-based): chr10:30,439,165, T>C. VCF-style: chr10-30439165-T-C. GRCh37 (hg19) VCF-style: chr10-30728094-T-C.
Other names: c.227T>C, p.Val76Ala (NM_001244134.1, NM_001320961.2); short protein forms V76A.
Identifiers: ClinVar variation 2099713 (VCV002099713.4), dbSNP rs2538538630, ClinGen allele CA376435825.

ClinVar aggregate classification (germline): Uncertain significance (1 of 4 stars; one submission).

Submission:

Labcorp Genetics (formerly Invitae), Labcorp
Classification: Uncertain significance. Last evaluated: 2022-10-22. Review status: criteria provided, single submitter. Criteria: Invitae Variant Classification Sherloc (09022015). Collection method: clinical testing. Allele origin: germline.
Comment: In summary, the available evidence is currently insufficient to determine the role of this variant in disease. Therefore, it has been classified as a Variant of Uncertain Significance. Algorithms developed to predict the effect of missense changes on protein structure and function are either unavailable or do not agree on the potential impact of this missense change (SIFT: "Deleterious"; PolyPhen-2: "Possibly Damaging"; Align-GVGD: "Class C0"). This variant has not been reported in the literature in individuals affected with MAP3K8-related conditions. This variant is not present in population databases (gnomAD no frequency). This sequence change replaces valine, which is neutral and non-polar, with alanine, which is neutral and non-polar, at codon 76 of the MAP3K8 protein (p.Val76Ala).